The following is an entry in ClinVar:

NM_001162501.2(TNRC6B):c.3359C>A (p.Pro1120Gln)

Gene: TNRC6B (trinucleotide repeat containing adaptor 6B; plus strand). Cytogenetic location: 22q13.1.
Variant type: single nucleotide variant.
Coding change: c.3359C>A on transcript NM_001162501.2 (MANE Select); coding-DNA position 3359, C replaced by A.
Protein change: p.Pro1120Gln; replaces proline 1120 with glutamine.
Molecular consequence: missense variant.
Genome position (GRCh38, 1-based): chr22:40,280,091, C>A. VCF-style: chr22-40280091-C-A. GRCh37 (hg19) VCF-style: chr22-40676095-C-A.
Other names: c.1118C>A, p.Pro373Gln (NM_001024843.2); c.3200C>A, p.Pro1067Gln (NM_015088.3); short protein forms P1067Q, P1120Q, P373Q.
Identifiers: ClinVar variation 2653183 (VCV002653183.24), dbSNP rs201197549, ClinGen allele CA10247047.

ClinVar aggregate classification (germline): Likely benign (1 of 4 stars; one submission).

Allele frequency attached by ClinVar (database versions not stated): ESP Exome Variant Server 0.00017; TOPMed 0.00017; gnomAD 0.00023; ExAC 0.00030.
gnomAD v4.1: 241 of 1,613,528 alleles (0.015%); highest among the groups gnomAD compares: Non-Finnish European, 0.018%; no homozygotes.

Submission:

CeGaT Center for Human Genetics Tuebingen
Classification: Likely benign. Last evaluated: 2026-09-01. Review status: criteria provided, single submitter. Criteria: CeGaT Center For Human Genetics Tuebingen Variant Classification Criteria Version 2. Collection method: clinical testing. Allele origin: germline. Affected: yes. Observed: 4 variant alleles.
Comment: TNRC6B: BS2